The following is an entry in ClinVar:

ClinVar aggregate classification (germline): Likely pathogenic (1 of 4 stars; one submission).

Conditions:
Ataxia-telangiectasia syndrome (AT). Also called: LOUIS-BAR SYNDROME; Ataxia-telangiectasia, complementation group D; AT, COMPLEMENTATION GROUP C; ATAXIA-TELANGIECTASIA, COMPLEMENTATION GROUP A; ATAXIA-TELANGIECTASIA, FRESNO VARIANT; Ataxia-telangiectasia. Identifiers: Orphanet 100, MedGen C0004135, MONDO:0008840, OMIM 208900.
Familial cancer of breast. Also called: hereditary breast carcinoma; Hereditary breast cancer; BREAST CANCER, FAMILIAL. Identifiers: Orphanet 227535, MedGen C0346153, MONDO:0016419, OMIM 114480. Disease mechanism: loss of function.

Submission:

Juno Genomics, Hangzhou Juno Genomics, Inc
Classification: Likely pathogenic for Familial cancer of breast; Ataxia-telangiectasia syndrome. Review status: criteria provided, single submitter. Criteria: ACMG Guidelines, 2015. Collection method: clinical testing. Allele origin: germline.
Comment: Absent from controls (or at extremely low frequency if recessive) in Genome Aggregation Database.;Null variant in a gene where loss of function (LOF) is a known mechanism of disease.

NM_000051.4(ATM):c.1057dup (p.Cys353fs)

Gene: ATM (ATM serine/threonine kinase; plus strand). Cytogenetic location: 11q22.3.
Variant type: Duplication.
Coding change: c.1057dup on transcript NM_000051.4 (MANE Select); coding-DNA position 1057, one base duplicated (T; older notation c.1057dupT).
Protein change: p.Cys353fs; shifts the reading frame from cysteine 353.
Molecular consequence: frameshift variant.
Genome position (GRCh38, 1-based): chr11:108,247,119, T duplicated. VCF-style (leftmost placement, unchanged base first): chr11-108247118-C-CT. GRCh37 (hg19) VCF-style: chr11-108117845-C-CT.
Other names: c.1057dup, p.Cys353fs (NM_001351834.2); short protein forms C353fs.
Identifiers: ClinVar variation 5019435 (VCV005019435.2).